The following is an entry in ClinVar:

ClinVar aggregate classification (germline): Conflicting classifications of pathogenicity. Review status: criteria provided, conflicting classifications (1 of 4 stars). 8 submissions from 8 submitters: Pathogenic (1); Likely pathogenic (2); Uncertain significance (4). 1 of the submissions does not count toward it. Last evaluated 2025-09-17.

Conditions:
CFTR-related disorder (CFTR-RD). Also called: CFTR-related disorders; CFTR-related condition. Identifiers: MedGen C5924204, MONDO:7770004.
Cystic fibrosis (CF). Also called: MUCOVISCIDOSIS. Identifiers: Orphanet 586, MedGen C0010674, MONDO:0009061, OMIM 219700. Disease mechanism: loss of function.

Allele frequency attached by ClinVar (database versions not stated): gnomAD exomes 0.00001 and below 0.00001; TOPMed 0.00003; ExAC 0.00001.
gnomAD v4.1: 4 of 1,612,314 alleles (0.00025%); highest among the groups gnomAD compares: Admixed American, 0.0033%; no homozygotes.

Submissions (8):

Women's Health and Genetics/Laboratory Corporation of America, LabCorp
Classification: Likely pathogenic for Cystic fibrosis. Last evaluated: 2025-09-17. Review status: criteria provided, single submitter. Criteria: LabCorp Variant Classification Summary - May 2015. Collection method: clinical testing. Allele origin: germline.
Comment: Variant summary: CFTR c.1499G>A (p.Gly500Asp) results in a non-conservative amino acid change in the encoded protein sequence. Algorithms developed to predict the effect of missense changes on protein structure and function all suggest that this variant is likely to be disruptive. The variant allele was found at a frequency of 8e-06 in 251288 control chromosomes. c.1499G>A has been observed in the presumed compound heterozygous state in multiple individual(s) affected with Cystic Fibrosis (example, Sabino_2015, Martinez-Hernandez_2024, ClinVar: 290277 external data) . These data indicate that the variant may be associated with disease. At least one publication reports experimental evidence evaluating an impact on protein function. The most pronounced variant effect results in 6.09% of normal chloride channel conductance relative to wild type (e.g., Bihler_2024). The following publications have been ascertained in the context of this evaluation (PMID: 38388235, 38601560, 25459562, 25880441). ClinVar contains an entry for this variant (Variation ID: 290277). Based on the evidence outlined above, the variant was classified as likely pathogenic.

Labcorp Genetics (formerly Invitae), Labcorp
Classification: Likely pathogenic for Cystic fibrosis. Last evaluated: 2025-08-14. Review status: criteria provided, single submitter. Criteria: Invitae Variant Classification Sherloc (09022015). Collection method: clinical testing. Allele origin: germline.
Comment: This sequence change replaces glycine, which is neutral and non-polar, with aspartic acid, which is acidic and polar, at codon 500 of the CFTR protein (p.Gly500Asp). This variant is present in population databases (rs774945680, gnomAD 0.006%). This missense change has been observed in individual(s) with clinical features of CFTR-related conditions (PMID: 25459562; external communications, internal data). In at least one individual the data is consistent with being in trans (on the opposite chromosome) from a pathogenic variant. ClinVar contains an entry for this variant (Variation ID: 290277). Invitae Evidence Modeling of protein sequence and biophysical properties (such as structural, functional, and spatial information, amino acid conservation, physicochemical variation, residue mobility, and thermodynamic stability) indicates that this missense variant is not expected to disrupt CFTR protein function with a negative predictive value of 80%. In summary, the currently available evidence indicates that the variant is pathogenic, but additional data are needed to prove that conclusively. Therefore, this variant has been classified as Likely Pathogenic.

Genome-Nilou Lab
Classification: Uncertain significance for Cystic fibrosis. Last evaluated: 2021-09-05. Review status: criteria provided, single submitter. Criteria: ACMG Guidelines, 2015. Collection method: clinical testing. Allele origin: germline. Affected: no.

Johns Hopkins Genomics, Johns Hopkins University
Classification: Uncertain significance for Cystic fibrosis. Last evaluated: 2021-07-07. Review status: criteria provided, single submitter. Criteria: ACMG Guidelines, 2015. Collection method: clinical testing. Allele origin: germline.
Comment: CFTR c.1499G>A has been identified in 2 individuals with features of cystic fibrosis. This CFTR variant (rs774945680) is rare (<0.1%) in a large population dataset (gnomAD: 2/251288 total alleles; 0.0008%; no homozygotes) and has been reported in ClinVar (Variation ID: 290277). Three bioinformatic tools queried predict that this substitution would be damaging and the glycine residue at this position is evolutionarily conserved across all species assessed. We consider the clinical significance of CFTR c.1499G>A to be uncertain at this time.

Ambry Genetics
Classification: Pathogenic for Cystic fibrosis. Last evaluated: 2020-08-31. Review status: criteria provided, single submitter. Criteria: Ambry Variant Classification Scheme 2023. Collection method: clinical testing. Allele origin: germline.
Comment: The p.G500D pathogenic mutation (also known as c.1499G>A), located in coding exon 11 of the CFTR gene, results from a G to A substitution at nucleotide position 1499. The glycine at codon 500 is replaced by aspartic acid, an amino acid with similar properties. This mutation was also reported in conjugation with p.G542* in another individual with CF; however, the phase was not provided (Sabino R et al. J. Cyst. Fibros., 2015 Jul;14:474-81). In addition, internal structural analysis revealed that this alteration is more destabilizing than known pathogenic variants within the same domain (Flachowsky S et al. Zentralbl Gynakol, 1986;108:383-5). Based on the supporting evidence, this alteration is interpreted as a disease-causing mutation.

Mendelics
Classification: Uncertain significance for Cystic fibrosis. Last evaluated: 2018-11-05. Review status: criteria provided, single submitter. Criteria: Mendelics Assertion Criteria 2017. Collection method: clinical testing. Allele origin: unknown. Affected: yes.

Eurofins Ntd Llc (ga)
Classification: Uncertain significance. Last evaluated: 2016-08-12. Review status: criteria provided, single submitter. Criteria: EGL Classification Definitions 2015. Collection method: clinical testing. Allele origin: germline. Observed: 1 variant allele, 1 heterozygote.

PreventionGenetics, part of Exact Sciences
Classification: Uncertain significance for CFTR-related condition. Last evaluated: 2024-01-17. Review status: no assertion criteria provided. Collection method: clinical testing. Allele origin: germline. Not counted in ClinVar's aggregate classification.
Comment: The CFTR c.1499G>A variant is predicted to result in the amino acid substitution p.Gly500Asp. This variant was reported in the compound heterozygous state in an individual with cystic fibrosis (Sabino et al 2014. PubMed ID: 25459562). This variant is reported in 0.0058% of alleles in individuals of Latino descent in gnomAD. At this time, the clinical significance of this variant is uncertain due to the absence of conclusive functional and genetic evidence.

Literature cited by the submitters: PubMed 25880441 (cited by Women's Health and Genetics/Laboratory Corporation of America, LabCorp); PubMed 25459562 (cited by 4 submitters); PubMed 38388235 (cited by Women's Health and Genetics/Laboratory Corporation of America, LabCorp); PubMed 38601560 (cited by Women's Health and Genetics/Laboratory Corporation of America, LabCorp); PubMed 3716676 (cited by Ambry Genetics).

NM_000492.4(CFTR):c.1499G>A (p.Gly500Asp)

Genes: CFTR-AS1 (CFTR antisense RNA 1; minus strand), CFTR (CF transmembrane conductance regulator; plus strand). Cytogenetic location: 7q31.2.
Variant type: single nucleotide variant.
Coding change: c.1499G>A on transcript NM_000492.4 (MANE Select); coding-DNA position 1499, G replaced by A.
Protein change: p.Gly500Asp; replaces glycine 500 with aspartic acid.
Molecular consequence: missense variant.
Genome position (GRCh38, 1-based): chr7:117,559,570, G>A. VCF-style: chr7-117559570-G-A. GRCh37 (hg19) VCF-style: chr7-117199624-G-A.
Other names: short protein forms G500D.
Identifiers: ClinVar variation 290277 (VCV000290277.19), dbSNP rs774945680, ClinGen allele CA4451011.
Genomic context (GRCh38, chr7:117,559,570, plus strand): 5'-GTAAAATTAAGCACAGTGGAAGAATTTCATTCTGTTCTCAGTTTTCCTGGATTATGCCTG[G>A]CACCATTAAAGAAAATATCATCTTTGGTGTTTCCTATGATGAATATAGATACAGAAGCGT-3'
Protein context (NP_000483.3, residues 490-510): FCSQFSWIMP[Gly500Asp]TIKENIIFGV